The following is an entry in ClinVar:

NM_024721.5(ZFHX4):c.10000C>A (p.Gln3334Lys)

Gene: ZFHX4 (zinc finger homeobox 4; plus strand). Cytogenetic location: 8q21.13.
Variant type: single nucleotide variant.
Coding change: c.10000C>A on transcript NM_024721.5 (MANE Select); coding-DNA position 10000, C replaced by A.
Protein change: p.Gln3334Lys; replaces glutamine 3334 with lysine.
Molecular consequence: missense variant.
Genome position (GRCh38, 1-based): chr8:76,863,714, C>A. VCF-style: chr8-76863714-C-A. GRCh37 (hg19) VCF-style: chr8-77775950-C-A.
Other names: c.9922C>A, p.Gln3308Lys (NM_001410934.1); short protein forms Q3334K, Q3308K.
Identifiers: ClinVar variation 5000843 (VCV005000843.1).

ClinVar aggregate classification (germline): Uncertain significance (1 of 4 stars; one submission).

Conditions:
ZFHX4-related disorder. Also called: ZFHX4-related condition.

gnomAD v4.1: 1 of 1,567,318 alleles (0.000064%); highest among the groups gnomAD compares: Non-Finnish European, 0.000087%; no homozygotes.

Submission:

PreventionGenetics, part of Exact Sciences
Classification: Uncertain significance for ZFHX4-related condition. Last evaluated: 2025-07-14. Review status: criteria provided, single submitter. Criteria: ACMG Guidelines, 2015. Collection method: clinical testing. Allele origin: germline.
Comment: The ZFHX4 c.10000C>A variant is predicted to result in the amino acid substitution p.Gln3334Lys. To our knowledge, this variant has not been reported in the literature or in a large population database (gnomAD), indicating this variant is rare. At this time, the clinical significance of this variant is uncertain due to the absence of conclusive functional and genetic evidence.